The following is an entry in ClinVar:

NM_001171.6(ABCC6):c.1232A>C (p.Asn411Thr)

Gene: ABCC6 (ATP binding cassette subfamily C member 6; minus strand). Cytogenetic location: 16p13.11.
Variant type: single nucleotide variant.
Coding change: c.1232A>C on transcript NM_001171.6 (MANE Select); coding-DNA position 1232, A replaced by C.
Protein change: p.Asn411Thr; replaces asparagine 411 with threonine.
Molecular consequence: missense variant. On other transcripts: non-coding transcript variant (4).
Genome position (GRCh38, 1-based): chr16:16,198,127, T>G on the plus strand (A>C on the coding strand, the complement: ABCC6 is on the minus strand). VCF-style: chr16-16198127-T-G. GRCh37 (hg19) VCF-style: chr16-16291984-T-G.
Other names: c.890A>C, p.Asn297Thr (NM_001351800.1); c.1232A>C, p.Asn411Thr (NM_001440309.1, NM_001440310.1); short protein forms N411T, N297T.
Identifiers: ClinVar variation 4993982 (VCV004993982.1).

ClinVar aggregate classification (germline): Uncertain significance (1 of 4 stars; one submission).

Conditions:
ABCC6-related disorder. Also called: ABCC6-related condition.

Submission:

PreventionGenetics, part of Exact Sciences
Classification: Uncertain significance for ABCC6-related condition. Last evaluated: 2025-11-19. Review status: criteria provided, single submitter. Criteria: ACMG Guidelines, 2015. Collection method: clinical testing. Allele origin: germline.
Comment: The ABCC6 c.1232A>C variant is predicted to result in the amino acid substitution p.Asn411Thr. To our knowledge, this variant has not been reported in the literature or in a large population database (gnomAD), indicating this variant is rare. Alternate missense changes at the same amino acid position (p.Asn411Ser, p.Asn411Lys) have been reported in individuals with features of pseudoxanthoma elasticum (Supplemental Table 2, Legrand et al 2017. PubMed ID: 28102862; Le Saux et al. 2001. PubMed ID: 11536079) and the alternate missense change p.Asn411Ser has also been reported in an individual with acute juvenile ischemic stroke (Härtl et al. 2022. PubMed ID: 36411388). At this time, the clinical significance of the p.Asn411Thr variant is uncertain due to the absence of conclusive functional and genetic evidence.